The following is an entry in ClinVar:

NM_020436.5(SALL4):c.1142A>G (p.Lys381Arg)

Gene: SALL4 (spalt like transcription factor 4; minus strand). Cytogenetic location: 20q13.2.
Variant type: single nucleotide variant.
Coding change: c.1142A>G on transcript NM_020436.5 (MANE Select); coding-DNA position 1142, A replaced by G.
Protein change: p.Lys381Arg; replaces lysine 381 with arginine.
Molecular consequence: missense variant.
Genome position (GRCh38, 1-based): chr20:51,791,341, T>C on the plus strand (A>G on the coding strand, the complement: SALL4 is on the minus strand). VCF-style: chr20-51791341-T-C. GRCh37 (hg19) VCF-style: chr20-50407880-T-C.
Other names: c.1142A>G, p.Lys381Arg (NM_001318031.2); short protein forms K381R.
Identifiers: ClinVar variation 1306787 (VCV001306787.2), dbSNP rs2122964356, ClinGen allele CA409012043.

ClinVar aggregate classification (germline): Uncertain significance (1 of 4 stars; one submission).

Submission:

GeneDx
Classification: Uncertain significance. Last evaluated: 2019-07-02. Review status: criteria provided, single submitter. Criteria: GeneDx Variant Classification Process June 2021. Collection method: clinical testing. Allele origin: germline. Affected: yes.
Comment: Not observed in large population cohorts (Lek et al., 2016); In silico analysis, which includes protein predictors and evolutionary conservation, supports that this variant does not alter protein structure/function; Has not been previously published as pathogenic or benign to our knowledge